The following is an entry in ClinVar:

NM_138694.4(PKHD1):c.11312A>G (p.Asn3771Ser)

Gene: PKHD1 (PKHD1 ciliary IPT domain containing fibrocystin/polyductin; minus strand). Cytogenetic location: 6p12.3.
Variant type: single nucleotide variant.
Coding change: c.11312A>G on transcript NM_138694.4 (MANE Select); coding-DNA position 11312, A replaced by G.
Protein change: p.Asn3771Ser; replaces asparagine 3771 with serine.
Molecular consequence: missense variant.
Genome position (GRCh38, 1-based): chr6:51,648,117, T>C on the plus strand (A>G on the coding strand, the complement: PKHD1 is on the minus strand). VCF-style: chr6-51648117-T-C. GRCh37 (hg19) VCF-style: chr6-51512915-T-C.
Other names: short protein forms N3771S.
Identifiers: ClinVar variation 4994211 (VCV004994211.1).

ClinVar aggregate classification (germline): Uncertain significance (1 of 4 stars; one submission).

Conditions:
PKHD1-related disorder. Also called: PKHD1-related condition.

gnomAD v4.1: 1 of 1,577,820 alleles (0.000063%); highest among the groups gnomAD compares: Non-Finnish European, 0.000087%; no homozygotes.

Submission:

PreventionGenetics, part of Exact Sciences
Classification: Uncertain significance for PKHD1-related condition. Last evaluated: 2026-06-30. Review status: criteria provided, single submitter. Criteria: ACMG Guidelines, 2015. Collection method: clinical testing. Allele origin: germline.
Comment: The PKHD1 c.11312A>G variant is predicted to result in the amino acid substitution p.Asn3771Ser. To our knowledge, this variant has not been reported in the literature or in a large population database (gnomAD), indicating this variant is rare. At this time, the clinical significance of this variant is uncertain due to the absence of conclusive functional and genetic evidence.